The following is an entry in ClinVar:

NM_031935.3(HMCN1):c.16627T>A (p.Phe5543Ile)

Gene: HMCN1 (hemicentin 1; plus strand). Cytogenetic location: 1q31.1.
Variant type: single nucleotide variant.
Coding change: c.16627T>A on transcript NM_031935.3 (MANE Select); coding-DNA position 16627, T replaced by A.
Protein change: p.Phe5543Ile; replaces phenylalanine 5543 with isoleucine.
Molecular consequence: missense variant.
Genome position (GRCh38, 1-based): chr1:186,189,597, T>A. VCF-style: chr1-186189597-T-A. GRCh37 (hg19) VCF-style: chr1-186158729-T-A.
Other names: c.16627T>A (NM_031935.2); short protein forms F5543I.
Identifiers: ClinVar variation 3610953 (VCV003610953.3).
Genomic context (GRCh38, chr1:186,189,597, plus strand): 5'-AATGATTTGGAATGTGCCTTGAGCCCATATGCCTTGGAATACAAACTCGTCTCCCTCCCA[T>A]TTGGAATAGCCACCAATCAAGATTTAATCCGGCTGGTTGCATACACACAGGATGGAGTGA-3'
Protein context (NP_114141.2, residues 5533-5553): ALEYKLVSLP[Phe5543Ile]GIATNQDLIR

ClinVar aggregate classification (germline): Uncertain significance. Review status: criteria provided, multiple submitters, no conflicts (2 of 4 stars). 2 submissions from 2 submitters: Uncertain significance (2). Last evaluated 2025-07-30.

gnomAD v4.1: 10 of 1,613,478 alleles (0.00062%); highest among the groups gnomAD compares: Admixed American, 0.012%; no homozygotes.

Submissions (2):

Labcorp Genetics (formerly Invitae), Labcorp
Classification: Uncertain significance. Last evaluated: 2025-07-30. Review status: criteria provided, single submitter. Criteria: Invitae Variant Classification Sherloc (09022015). Collection method: clinical testing. Allele origin: germline.
Comment: This sequence change replaces phenylalanine, which is neutral and non-polar, with isoleucine, which is neutral and non-polar, at codon 5543 of the HMCN1 protein (p.Phe5543Ile). This variant is present in population databases (no rsID available, gnomAD 0.009%). This variant has not been reported in the literature in individuals affected with HMCN1-related conditions. ClinVar contains an entry for this variant (Variation ID: 3610953). An algorithm developed to predict the effect of missense changes on protein structure and function (PolyPhen-2) suggests that this variant is likely to be disruptive. In summary, the available evidence is currently insufficient to determine the role of this variant in disease. Therefore, it has been classified as a Variant of Uncertain Significance.

Ambry Genetics
Classification: Uncertain significance. Last evaluated: 2025-07-01. Review status: criteria provided, single submitter. Criteria: Ambry Variant Classification Scheme 2023. Collection method: clinical testing. Allele origin: germline.